The following is an entry in ClinVar:

ClinVar aggregate classification (germline): Benign. Review status: criteria provided, multiple submitters, no conflicts (2 of 4 stars). 2 submissions from 2 submitters: Benign (2). Last evaluated 2021-02-23.

Allele frequency attached by ClinVar (database versions not stated): gnomAD exomes 0.54788 and 0.56331; ExAC 0.57042; ESP Exome Variant Server 0.58396; gnomAD 0.58625 and 0.58898; TOPMed 0.59373; 1000 Genomes Project 0.65116; 1000 Genomes Project 30x 0.65178.
gnomAD v4.1: 882,770 of 1,600,508 alleles (55%); highest among the groups gnomAD compares: East Asian, 70%; 246,599 homozygotes.

Submissions (2):

GeneDx
Classification: Benign. Last evaluated: 2021-02-23. Review status: criteria provided, single submitter. Criteria: GeneDx Variant Classification Process June 2021. Collection method: clinical testing. Allele origin: germline. Affected: yes.
Comment: This variant is associated with the following publications: (PMID: 31707051)

Breakthrough Genomics
Classification: Benign. Review status: criteria provided, single submitter. Criteria: ACMG Guidelines, 2015. Collection method: not provided. Allele origin: germline. Inheritance: Unknown mechanism. Affected: yes.

NM_138806.4(CD200R1):c.1003G>C (p.Glu335Gln)

Gene: CD200R1 (CD200 receptor 1; minus strand). Cytogenetic location: 3q13.2.
Variant type: single nucleotide variant.
Coding change: c.1003G>C on transcript NM_138806.4 (MANE Select); coding-DNA position 1003, G replaced by C.
Protein change: p.Glu335Gln; replaces glutamic acid 335 with glutamine.
Molecular consequence: missense variant.
Genome position (GRCh38, 1-based): chr3:112,923,721, C>G on the plus strand (G>C on the coding strand, the complement: CD200R1 is on the minus strand). VCF-style: chr3-112923721-C-G. GRCh37 (hg19) VCF-style: chr3-112642568-C-G.
Other names: c.934G>C, p.Glu312Gln (NM_170780.3); short protein forms E312Q, E335Q.
Identifiers: ClinVar variation 1267119 (VCV001267119.3), dbSNP rs9865242, ClinGen allele CA2541211.
Genomic context (GRCh38, chr3:112,923,721, plus strand): 5'-ACTAGAGTCCAACAACTTATAAAGTATGGAGGTCTGTGTCAACTTCACTTTGTAATGCCT[C>G]AGATGCCTTCACCTTGTTTGTAGTATCATAGAGAGGATTGTTCTTCTCTGTGTAGCTGGC-3'
Protein context (NP_620161.1, residues 325-345): YDTTNKVKAS[Glu335Gln]ALQSEVDTDL